The following is an entry in ClinVar:

ClinVar aggregate classification (germline): Uncertain significance (1 of 4 stars; one submission).

Conditions:
Spastic paraplegia. Identifiers: MedGen C0037772, HP:0001258.

Allele frequency attached by ClinVar (database versions not stated): gnomAD exomes below 0.00001.
gnomAD v4.1: 1 of 1,613,430 alleles (0.000062%); highest among the groups gnomAD compares: Non-Finnish European, 0.000085%; no homozygotes.

Submission:

Labcorp Genetics (formerly Invitae), Labcorp
Classification: Uncertain significance for Spastic paraplegia. Last evaluated: 2022-06-29. Review status: criteria provided, single submitter. Criteria: Invitae Variant Classification Sherloc (09022015). Collection method: clinical testing. Allele origin: germline.
Comment: This sequence change replaces proline, which is neutral and non-polar, with serine, which is neutral and polar, at codon 2935 of the SACS protein (p.Pro2935Ser). This variant is not present in population databases (gnomAD no frequency). This variant has not been reported in the literature in individuals affected with SACS-related conditions. Advanced modeling of protein sequence and biophysical properties (such as structural, functional, and spatial information, amino acid conservation, physicochemical variation, residue mobility, and thermodynamic stability) performed at Invitae indicates that this missense variant is not expected to disrupt SACS protein function. In summary, the available evidence is currently insufficient to determine the role of this variant in disease. Therefore, it has been classified as a Variant of Uncertain Significance.

NM_014363.6(SACS):c.8803C>T (p.Pro2935Ser)

Gene: SACS (sacsin molecular chaperone; minus strand). Cytogenetic location: 13q12.12.
Variant type: single nucleotide variant.
Coding change: c.8803C>T on transcript NM_014363.6 (MANE Select); coding-DNA position 8803, C replaced by T.
Protein change: p.Pro2935Ser; replaces proline 2935 with serine.
Molecular consequence: missense variant.
Genome position (GRCh38, 1-based): chr13:23,335,073, G>A on the plus strand (C>T on the coding strand, the complement: SACS is on the minus strand). VCF-style: chr13-23335073-G-A. GRCh37 (hg19) VCF-style: chr13-23909212-G-A.
Other names: c.8362C>T, p.Pro2788Ser (NM_001278055.2); short protein forms P2935S, P2788S.
Identifiers: ClinVar variation 2073363 (VCV002073363.1), dbSNP rs2542211838, ClinGen allele CA387515825.
Genomic context (GRCh38, chr13:23,335,073, plus strand): 5'-TGTCCTTTACAACATGAATAGGGGTGTTCTGTAACACTGATAATGTTGGATCAGAACCAG[G>A]GAAATACCGTTTTTTTAACTGTATTAGCAATTCAACATATGCAGGAGCTATTAATGCTGT-3'
Protein context (NP_055178.3, residues 2925-2945): LLIQLKKRYF[Pro2935Ser]GSDPTLSVLQ